The following is an entry in ClinVar:

NM_003482.4(KMT2D):c.6247C>T (p.Gln2083Ter)

Gene: KMT2D (lysine methyltransferase 2D; minus strand). Cytogenetic location: 12q13.12.
Variant type: single nucleotide variant.
Coding change: c.6247C>T on transcript NM_003482.4 (MANE Select); coding-DNA position 6247, C replaced by T.
Protein change: p.Gln2083Ter; replaces glutamine 2083 with a stop codon.
Molecular consequence: nonsense.
Genome position (GRCh38, 1-based): chr12:49,041,523, G>A on the plus strand (C>T on the coding strand, the complement: KMT2D is on the minus strand). VCF-style: chr12-49041523-G-A. GRCh37 (hg19) VCF-style: chr12-49435306-G-A.
Other names: short protein forms Q2083*.
Identifiers: ClinVar variation 3340332 (VCV003340332.1).
Genomic context (GRCh38, chr12:49,041,523, plus strand): 5'-GTAGGGCCGGTCGGTCAGTCTTACGGGCTATGTCGCCCACCTTGGTCTGCTTGTTGATCT[G>A]GCTCTCAGCCTGCTACAGGGGGAGACCAGGCATAGGGCAGTCAGGCTGCTGCAGGCAGGC-3'

ClinVar aggregate classification (germline): Pathogenic (1 of 4 stars; one submission).

Submission:

GeneDx
Classification: Pathogenic. Last evaluated: 2023-10-26. Review status: criteria provided, single submitter. Criteria: GeneDx Variant Classification Process June 2021. Collection method: clinical testing. Allele origin: germline. Affected: yes.
Comment: Reported in an individual with Kabuki syndrome in published literature (PMID: 27530205); Nonsense variant predicted to result in protein truncation or nonsense mediated decay in a gene for which loss of function is a known mechanism of disease; Not observed at significant frequency in large population cohorts (gnomAD); This variant is associated with the following publications: (PMID: 27530205)